The following is an entry in ClinVar:

NM_007294.4(BRCA1):c.80+3207A>G

Gene: BRCA1 (BRCA1 DNA repair associated; minus strand). Cytogenetic location: 17q21.31.
Variant type: single nucleotide variant.
Coding change: c.80+3207A>G on transcript NM_007294.4 (MANE Select); 3207 bases into the intron after coding-DNA position 80, A replaced by G.
Molecular consequence: intron variant.
Genome position (GRCh38, 1-based): chr17:43,120,810, T>C on the plus strand (A>G on the coding strand, the complement: BRCA1 is on the minus strand). VCF-style: chr17-43120810-T-C. GRCh37 (hg19) VCF-style: chr17-41272827-T-C.
Other names: IVS 2+3207A>G; c.-61-5031A>G (NM_001408458.1); c.-219+4467A>G (NM_001407967.1); c.-170+4467A>G (NM_001407959.1); c.-8+4467A>G (NM_001407931.1, NM_001407747.1); c.-224+4467A>G (NM_001407962.1, NM_001408512.1, NM_001408510.1); c.-109+4467A>G (NM_001407885.1); c.-62+4467A>G (NM_001408470.1, NM_001407848.1, NM_001407839.1 and 6 more transcripts); and 23 more.
Identifiers: ClinVar variation 209556 (VCV000209556.2), dbSNP rs192816557, ClinGen allele CA276525.

ClinVar aggregate classification (germline): Benign (3 of 4 stars; one submission).

Conditions:
Breast-ovarian cancer, familial, susceptibility to, 1 (BROVCA1). Also called: BRCA1 Hereditary Breast and Ovarian Cancer; OVARIAN CANCER, SUSCEPTIBILITY TO. Identifiers: Orphanet 145, MedGen C2676676, MONDO:0011450, OMIM 604370. Disease mechanism: loss of function.

Allele frequency attached by ClinVar (database versions not stated): 1000 Genomes Project 0.00300; 1000 Genomes Project 30x 0.00312; gnomAD 0.00346 and 0.00364; TOPMed 0.00374.

Submission:

Evidence-based Network for the Interpretation of Germline Mutant Alleles (ENIGMA)
Classification: Benign for Breast-ovarian cancer, familial 1. Last evaluated: 2015-01-12. Review status: reviewed by expert panel. Criteria: ENIGMA BRCA1/2 Classification Criteria (2015). Collection method: curation. Allele origin: germline.
Comment: Class 1 not pathogenic based on frequency >1% in an outbred sampleset. Frequency 0.01423 (African), derived from 1000 genomes (2012-04-30).